The following is an entry in ClinVar:

ClinVar aggregate classification (germline): Likely benign (1 of 4 stars; one submission).

Allele frequency attached by ClinVar (database versions not stated): gnomAD 0.00119; TOPMed 0.00129; 1000 Genomes Project 0.00140; 1000 Genomes Project 30x 0.00141.
gnomAD v4.1: 179 of 152,310 alleles (0.12%); highest among the groups gnomAD compares: African/African-American, 0.4%; 1 homozygote.

Submission:

CeGaT Center for Human Genetics Tuebingen
Classification: Likely benign. Last evaluated: 2023-04-01. Review status: criteria provided, single submitter. Criteria: CeGaT Center For Human Genetics Tuebingen Variant Classification Criteria Version 2. Collection method: clinical testing. Allele origin: germline. Affected: yes. Observed: 1 variant allele.
Comment: PLEC: BP4, BS1

NM_201384.3(PLEC):c.112+242G>A

Gene: PLEC (plectin; minus strand). Cytogenetic location: 8q24.3.
Variant type: single nucleotide variant.
Coding change: c.112+242G>A on transcript NM_201384.3 (MANE Select); 242 bases into the intron after coding-DNA position 112, G replaced by A.
Molecular consequence: intron variant.
Genome position (GRCh38, 1-based): chr8:143,939,108, C>T on the plus strand (G>A on the coding strand, the complement: PLEC is on the minus strand). VCF-style: chr8-143939108-C-T. GRCh37 (hg19) VCF-style: chr8-145013276-C-T.
Other names: c.194-416G>A (NM_001410941.1, NM_000445.5); c.71-416G>A (NM_201378.4); c.47-416G>A (NM_201379.3); c.524-416G>A (NM_201380.4); c.17-416G>A (NM_201381.3); c.113-416G>A (NM_201382.4); c.125-416G>A (NM_201383.3).
Identifiers: ClinVar variation 2571324 (VCV002571324.27), dbSNP rs564655573, ClinGen allele CA187626063.
Genomic context (GRCh38, chr8:143,939,108, plus strand): 5'-GGCCCGGGCCCGCTGGGGTGTTGGAAGGGAAGCCGCGTGTGCTGCTGACAGGGCAGCGAA[C>T]CTTCCCCAGAGCGCAGAGTTCCTCGCCCTTCCAGGCCCGACATCTGACGCTCGGAGGCCC-3'